The following is an entry in ClinVar:

NM_014425.5(INVS):c.2089A>G (p.Lys697Glu)

Gene: INVS (inversin; plus strand). Cytogenetic location: 9q31.1.
Variant type: single nucleotide variant.
Coding change: c.2089A>G on transcript NM_014425.5 (MANE Select); coding-DNA position 2089, A replaced by G.
Protein change: p.Lys697Glu; replaces lysine 697 with glutamic acid.
Molecular consequence: missense variant.
Genome position (GRCh38, 1-based): chr9:100,292,346, A>G. VCF-style: chr9-100292346-A-G. GRCh37 (hg19) VCF-style: chr9-103054628-A-G.
Other names: c.2089A>G (NM_014425.2); c.1801A>G, p.Lys601Glu (NM_001318381.2); c.1111A>G, p.Lys371Glu (NM_001318382.2); short protein forms K371E, K697E, K601E.
Identifiers: ClinVar variation 1041829 (VCV001041829.9), dbSNP rs374381370, ClinGen allele CA5158562.

ClinVar aggregate classification (germline): Uncertain significance. Review status: criteria provided, multiple submitters, no conflicts (2 of 4 stars). 3 submissions from 3 submitters: Uncertain significance (3). Last evaluated 2025-08-04.

Conditions:
Inborn genetic diseases. Identifiers: MedGen C0950123, MeSH D030342.
Nephronophthisis. Also called: Juvenile Nephronophthisis. Identifiers: Orphanet 655, MedGen C0687120, MONDO:0019005, HP:0000090.
Infantile nephronophthisis (NPHP2). Also called: Nephronophthisis 2; Nephronophthisis 2, infantile. Identifiers: Orphanet 655, Orphanet 93591, MedGen C1865872, MONDO:0011190, OMIM 602088.

Allele frequency attached by ClinVar (database versions not stated): ESP Exome Variant Server 0.00008; 1000 Genomes Project 30x 0.00016; 1000 Genomes Project 0.00020; gnomAD 0.00005; TOPMed 0.00006.
gnomAD v4.1: 11 of 1,614,126 alleles (0.00068%); highest among the groups gnomAD compares: African/African-American, 0.012%; no homozygotes.

Submissions (3):

Ambry Genetics
Classification: Uncertain significance for Inborn genetic diseases. Last evaluated: 2025-08-04. Review status: criteria provided, single submitter. Criteria: Ambry Variant Classification Scheme 2023. Collection method: clinical testing. Allele origin: germline.

Labcorp Genetics (formerly Invitae), Labcorp
Classification: Uncertain significance for Nephronophthisis. Last evaluated: 2022-08-15. Review status: criteria provided, single submitter. Criteria: Invitae Variant Classification Sherloc (09022015). Collection method: clinical testing. Allele origin: germline.
Comment: This sequence change replaces lysine, which is basic and polar, with glutamic acid, which is acidic and polar, at codon 697 of the INVS protein (p.Lys697Glu). This variant is present in population databases (rs374381370, gnomAD 0.02%). This variant has not been reported in the literature in individuals affected with INVS-related conditions. ClinVar contains an entry for this variant (Variation ID: 1041829). Algorithms developed to predict the effect of missense changes on protein structure and function are either unavailable or do not agree on the potential impact of this missense change (SIFT: "Deleterious"; PolyPhen-2: "Benign"; Align-GVGD: "Class C0"). Algorithms developed to predict the effect of sequence changes on RNA splicing suggest that this variant may disrupt the consensus splice site. In summary, the available evidence is currently insufficient to determine the role of this variant in disease. Therefore, it has been classified as a Variant of Uncertain Significance.

Fulgent Genetics
Classification: Uncertain significance for Infantile nephronophthisis. Last evaluated: 2022-04-19. Review status: criteria provided, single submitter. Criteria: ACMG Guidelines, 2015. Collection method: clinical testing. Allele origin: unknown.